The following is an entry in ClinVar:

ClinVar aggregate classification (germline): Uncertain significance. Review status: criteria provided, multiple submitters, no conflicts (2 of 4 stars). 2 submissions from 2 submitters: Uncertain significance (2). Last evaluated 2025-08-31.

Conditions:
Inborn genetic diseases. Identifiers: MedGen C0950123, MeSH D030342.
Aortic valve disease 2 (AOVD2). Identifiers: MedGen C3542024, MONDO:0013902, OMIM 614823.

Allele frequency attached by ClinVar (database versions not stated): ExAC 0.00001; gnomAD 0.00001; gnomAD exomes 0.00001.

Submissions (2):

Ambry Genetics
Classification: Uncertain significance for Inborn genetic diseases. Last evaluated: 2025-08-31. Review status: criteria provided, single submitter. Criteria: Ambry Variant Classification Scheme 2023. Collection method: clinical testing. Allele origin: germline.
Comment: The p.D295N variant (also known as c.883G>A), located in coding exon 3 of the SMAD6 gene, results from a G to A substitution at nucleotide position 883. The aspartic acid at codon 295 is replaced by asparagine, an amino acid with highly similar properties. This amino acid position is conserved. In addition, the in silico prediction for this alteration is inconclusive. Since supporting evidence is limited at this time, the clinical significance of this alteration remains unclear.

Labcorp Genetics (formerly Invitae), Labcorp
Classification: Uncertain significance for Aortic valve disease 2. Last evaluated: 2023-03-27. Review status: criteria provided, single submitter. Criteria: Invitae Variant Classification Sherloc (09022015). Collection method: clinical testing. Allele origin: germline.
Comment: ClinVar contains an entry for this variant (Variation ID: 1383892). In summary, the available evidence is currently insufficient to determine the role of this variant in disease. Therefore, it has been classified as a Variant of Uncertain Significance. Advanced modeling of protein sequence and biophysical properties (such as structural, functional, and spatial information, amino acid conservation, physicochemical variation, residue mobility, and thermodynamic stability) performed at Invitae indicates that this missense variant is not expected to disrupt SMAD6 protein function. This variant has not been reported in the literature in individuals affected with SMAD6-related conditions. This variant is present in population databases (rs773338089, gnomAD 0.006%). This sequence change replaces aspartic acid, which is acidic and polar, with asparagine, which is neutral and polar, at codon 295 of the SMAD6 protein (p.Asp295Asn).

NM_005585.5(SMAD6):c.883G>A (p.Asp295Asn)

Gene: SMAD6 (SMAD family member 6; plus strand). Cytogenetic location: 15q22.31.
Variant type: single nucleotide variant.
Coding change: c.883G>A on transcript NM_005585.5 (MANE Select); coding-DNA position 883, G replaced by A.
Protein change: p.Asp295Asn; replaces aspartic acid 295 with asparagine.
Molecular consequence: missense variant. On other transcripts: non-coding transcript variant (1).
Genome position (GRCh38, 1-based): chr15:66,716,429, G>A. VCF-style: chr15-66716429-G-A. GRCh37 (hg19) VCF-style: chr15-67008767-G-A.
Other names: short protein forms D295N.
Identifiers: ClinVar variation 1383892 (VCV001383892.11), dbSNP rs773338089, ClinGen allele CA7626636.
Genomic context (GRCh38, chr15:66,716,429, plus strand): 5'-AGAGAGCGCTGCCCCACGGCCAACTAAGTTCTCTTTTTCTTTCCTCCCACAGATCTGTCC[G>A]ATTCCACATTGTCTTACACTGAAACGGAGGCTACCAACTCCCTCATCACTGCTCCGGGTG-3'
Protein context (NP_005576.3, residues 285-305): RDEYKPLDLS[Asp295Asn]STLSYTETEA